The following is an entry in ClinVar:

ClinVar aggregate classification (germline): Uncertain significance (1 of 4 stars; one submission).

Conditions:
Early Myoclonic Encephalopathy. Identifiers: MedGen C0270855.

gnomAD v4.1: 3 of 1,614,002 alleles (0.00019%); highest among the groups gnomAD compares: South Asian, 0.0011%; no homozygotes.

Submission:

Labcorp Genetics (formerly Invitae), Labcorp
Classification: Uncertain significance for Early Myoclonic Encephalopathy. Last evaluated: 2024-10-30. Review status: criteria provided, single submitter. Criteria: Invitae Variant Classification Sherloc (09022015). Collection method: clinical testing. Allele origin: germline.
Comment: This sequence change replaces alanine, which is neutral and non-polar, with threonine, which is neutral and polar, at codon 1053 of the JMJD1C protein (p.Ala1053Thr). This variant is not present in population databases (gnomAD no frequency). This variant has not been reported in the literature in individuals affected with JMJD1C-related conditions. ClinVar contains an entry for this variant (Variation ID: 2844423). Invitae Evidence Modeling of protein sequence and biophysical properties (such as structural, functional, and spatial information, amino acid conservation, physicochemical variation, residue mobility, and thermodynamic stability) indicates that this missense variant is not expected to disrupt JMJD1C protein function with a negative predictive value of 80%. In summary, the available evidence is currently insufficient to determine the role of this variant in disease. Therefore, it has been classified as a Variant of Uncertain Significance.

NM_032776.3(JMJD1C):c.3157G>A (p.Ala1053Thr)

Gene: JMJD1C (jumonji domain containing 1C; minus strand). Cytogenetic location: 10q21.3.
Variant type: single nucleotide variant.
Coding change: c.3157G>A on transcript NM_032776.3 (MANE Select); coding-DNA position 3157, G replaced by A.
Protein change: p.Ala1053Thr; replaces alanine 1053 with threonine.
Molecular consequence: missense variant. On other transcripts: non-coding transcript variant (1).
Genome position (GRCh38, 1-based): chr10:63,208,512, C>T on the plus strand (G>A on the coding strand, the complement: JMJD1C is on the minus strand). VCF-style: chr10-63208512-C-T. GRCh37 (hg19) VCF-style: chr10-64968272-C-T.
Other names: c.2611G>A, p.Ala871Thr (NM_001282948.2, NM_001318154.2); c.2293G>A, p.Ala765Thr (NM_001318153.2); c.3043G>A, p.Ala1015Thr (NM_001322252.2); c.2500G>A, p.Ala834Thr (NM_001322254.2, NM_001322258.2); short protein forms A1053T, A765T, A871T, A1015T, A834T.
Identifiers: ClinVar variation 2844423 (VCV002844423.3), dbSNP rs144839482, ClinGen allele CA377042716.
Genomic context (GRCh38, chr10:63,208,512, plus strand): 5'-AGCGTTCTACATCCATATCTTGTTTGATGATATGGCTTTTAGGACTGGAAGATGATGATG[C>T]CACTCTGGAATAATTCTCTCTCTCACCCTCAAGTCCCTTGATTTTAGTTGTAAAGGGAGC-3'
Protein context (NP_116165.1, residues 1043-1063): EGERENYSRV[Ala1053Thr]SSSSSPKSHI